The following is an entry in ClinVar:

ClinVar aggregate classification (germline): Uncertain significance (1 of 4 stars; one submission).

Allele frequency attached by ClinVar (database versions not stated): gnomAD 0.00001 and 0.00002; gnomAD exomes 0.00001 and 0.00002; TOPMed 0.00002; ExAC 0.00003.
gnomAD v4.1: 15 of 1,613,624 alleles (0.00093%); highest among the groups gnomAD compares: South Asian, 0.0011%; no homozygotes.

Submission:

GeneDx
Classification: Uncertain significance. Last evaluated: 2014-10-24. Review status: criteria provided, single submitter. Criteria: GeneDx Variant Classification (06012015). Collection method: clinical testing. Allele origin: germline. Affected: yes.
Comment: c.-21 C>T in exon 2 of the MFSD8 gene (NM_152778.2) A variant of unknown significance has been identified in the MFSD8 gene. The c.-21 C>T variant has not been published as a mutation, nor has it been reported as a benign polymorphism to our knowledge. It was not observed in approximately 6,500 individuals of European and African American ancestry in the NHLBI Exome Sequencing Project, indicating it is not a common benign variant in these populations. This variant creates a new ATG initiation codon in the 5' UTR of the MFSD8 gene that may be used as an alternative start site for protein translation and produce an abnormal protein. However, in the absence of RNA/functional studies, the actual effect of this sequence changel is unknown. Additionally, to our knowledge, regulatory mutations have not been reported in the MFSD8 gene in association with epilepsy. Therefore, based on the currently available information, it is unclear whether this variant is a pathogenic mutation or a rare benign variant. The variant is found in EPILEPSY panel(s).

NM_001371596.2(MFSD8):c.-21C>T

Gene: MFSD8 (major facilitator superfamily domain containing 8; minus strand). Cytogenetic location: 4q28.2.
Variant type: single nucleotide variant.
Coding change: c.-21C>T on transcript NM_001371596.2 (MANE Select); 21 bases upstream of the start codon, C replaced by T.
Molecular consequence: 5 prime UTR variant. On other transcripts: intron variant (2).
Genome position (GRCh38, 1-based): chr4:127,965,154, G>A on the plus strand (C>T on the coding strand, the complement: MFSD8 is on the minus strand). VCF-style: chr4-127965154-G-A. GRCh37 (hg19) VCF-style: chr4-128886309-G-A.
Other names: c.-21C>T (NM_001363520.3, NM_001363521.3, NM_001371591.2 and 5 more transcripts); c.-154C>T (NM_001371595.1); c.-74+743C>T (NM_001410765.1, NM_001371590.2).
Identifiers: ClinVar variation 206168 (VCV000206168.4), dbSNP rs200352565, ClinGen allele CA315997.